The following is an entry in ClinVar:

NM_018124.4(RFWD3):c.1754+3A>G

Gene: RFWD3 (ring finger and WD repeat domain 3; minus strand). Cytogenetic location: 16q23.1.
Variant type: single nucleotide variant.
Coding change: c.1754+3A>G on transcript NM_018124.4 (MANE Select); 3 bases into the intron after coding-DNA position 1754, A replaced by G.
Molecular consequence: intron variant.
Genome position (GRCh38, 1-based): chr16:74,630,778, T>C on the plus strand (A>G on the coding strand, the complement: RFWD3 is on the minus strand). VCF-style: chr16-74630778-T-C. GRCh37 (hg19) VCF-style: chr16-74664676-T-C.
Other names: c.1754+3A>G (NM_001370534.1, NM_001370535.1); c.920+3A>G (NM_001370539.1, NM_001370537.1, NM_001370543.1 and 2 more transcripts); c.1577+1745A>G (NM_001370536.1).
Identifiers: ClinVar variation 2879770 (VCV002879770.3), dbSNP rs757478195, ClinGen allele CA8169088.

ClinVar aggregate classification (germline): Uncertain significance (1 of 4 stars; one submission).

Allele frequency attached by ClinVar (database versions not stated): gnomAD exomes 0.00001; ExAC 0.00002; gnomAD 0.00005; TOPMed 0.00006; 1000 Genomes Project 30x 0.00031.
gnomAD v4.1: 23 of 1,593,246 alleles (0.0014%); highest among the groups gnomAD compares: African/African-American, 0.018%; 1 homozygote.

Submission:

Labcorp Genetics (formerly Invitae), Labcorp
Classification: Uncertain significance. Last evaluated: 2023-06-25. Review status: criteria provided, single submitter. Criteria: Invitae Variant Classification Sherloc (09022015). Collection method: clinical testing. Allele origin: germline.
Comment: This sequence change falls in intron 10 of the RFWD3 gene. It does not directly change the encoded amino acid sequence of the RFWD3 protein. It affects a nucleotide within the consensus splice site. In summary, the available evidence is currently insufficient to determine the role of this variant in disease. Therefore, it has been classified as a Variant of Uncertain Significance. Variants that disrupt the consensus splice site are a relatively common cause of aberrant splicing (PMID: 17576681, 9536098). Algorithms developed to predict the effect of sequence changes on RNA splicing suggest that this variant may create or strengthen a splice site. This variant has not been reported in the literature in individuals affected with RFWD3-related conditions. This variant is present in population databases (rs757478195, gnomAD 0.02%).

Literature cited by the submitters: PubMed 17576681; PubMed 9536098.